The following is an entry in ClinVar:

NM_001013838.3(CARMIL2):c.374+6G>T

Gene: CARMIL2 (capping protein regulator and myosin 1 linker 2; plus strand). Cytogenetic location: 16q22.1.
Variant type: single nucleotide variant.
Coding change: c.374+6G>T on transcript NM_001013838.3 (MANE Select); 6 bases into the intron after coding-DNA position 374, G replaced by T.
Molecular consequence: intron variant.
Genome position (GRCh38, 1-based): chr16:67,646,316, G>T. VCF-style: chr16-67646316-G-T. GRCh37 (hg19) VCF-style: chr16-67680219-G-T.
Other names: c.374+6G>T (NM_001317026.3).
Identifiers: ClinVar variation 1523287 (VCV001523287.6), dbSNP rs2142910202, ClinGen allele CA2573152546.
Genomic context (GRCh38, chr16:67,646,316, plus strand): 5'-TGGCCCAGCACGTGGCTGCAGCCATCAAGAAGGTCTTCCCTCGCTCGACCCTTGGGTGAG[G>T]CCTGGCAAATTCGAGGGGCTGGCAGGGGAGGAGGGAGTGCATGAGAAGGGCTGCTTCCCA-3'

ClinVar aggregate classification (germline): Uncertain significance (1 of 4 stars; one submission).

Submission:

Labcorp Genetics (formerly Invitae), Labcorp
Classification: Uncertain significance. Last evaluated: 2021-10-07. Review status: criteria provided, single submitter. Criteria: Invitae Variant Classification Sherloc (09022015). Collection method: clinical testing. Allele origin: germline.
Comment: This sequence change falls in intron 5 of the CARMIL2 gene. It does not directly change the encoded amino acid sequence of the CARMIL2 protein. It affects a nucleotide within the consensus splice site of the intron. In summary, the available evidence is currently insufficient to determine the role of this variant in disease. Therefore, it has been classified as a Variant of Uncertain Significance. Variants that disrupt the consensus splice site are a relatively common cause of aberrant splicing (PMID: 17576681, 9536098). Algorithms developed to predict the effect of sequence changes on RNA splicing suggest that this variant is not likely to affect RNA splicing. This variant has not been reported in the literature in individuals affected with CARMIL2-related conditions. This variant is not present in population databases (ExAC no frequency).

Literature cited by the submitters: PubMed 17576681; PubMed 9536098.